The following is an entry in ClinVar:

NM_002474.3(MYH11):c.3651+37A>G

Gene: MYH11 (myosin heavy chain 11; minus strand). Cytogenetic location: 16p13.11.
Variant type: single nucleotide variant.
Coding change: c.3651+37A>G on transcript NM_002474.3 (MANE Select); 37 bases into the intron after coding-DNA position 3651, A replaced by G.
Molecular consequence: intron variant.
Genome position (GRCh38, 1-based): chr16:15,732,527, T>C on the plus strand (A>G on the coding strand, the complement: MYH11 is on the minus strand). VCF-style: chr16-15732527-T-C. GRCh37 (hg19) VCF-style: chr16-15826384-T-C.
Other names: NC_000016.9:g.15826384T>C; c.3651+37A>G (NM_022844.3); c.3672+37A>G (NM_001040114.2, NM_001040113.2).
Identifiers: ClinVar variation 674448 (VCV000674448.3), dbSNP rs75139720, ClinGen allele CA7921938.

ClinVar aggregate classification (germline): Benign. Review status: criteria provided, multiple submitters, no conflicts (2 of 4 stars). 2 submissions from 2 submitters: Benign (2). Last evaluated 2018-06-16.

Allele frequency attached by ClinVar (database versions not stated): ESP Exome Variant Server 0.00723; gnomAD 0.01201 and 0.01484; TOPMed 0.01333; gnomAD exomes 0.01370 and 0.02403; ExAC 0.02313; 1000 Genomes Project 30x 0.04700; 1000 Genomes Project 0.04972.
gnomAD v4.1: 22,657 of 1,613,966 alleles (1.4%); highest among the groups gnomAD compares: East Asian, 13%; 643 homozygotes.

Submissions (27):

GeneDx
Classification: Benign. Last evaluated: 2018-06-16. Review status: criteria provided, single submitter. Criteria: GeneDx Variant Classification (06012015). Collection method: clinical testing. Allele origin: germline. Affected: yes.
Comment: This variant is considered likely benign or benign based on one or more of the following criteria: it is a conservative change, it occurs at a poorly conserved position in the protein, it is predicted to be benign by multiple in silico algorithms, and/or has population frequency not consistent with disease.

Breakthrough Genomics
Classification: Benign. Review status: criteria provided, single submitter. Criteria: ACMG Guidelines, 2015. Collection method: not provided. Allele origin: germline. Inheritance: Autosomal recessive inheritance. Affected: yes.

Dr. Peter K. Rogan Lab, Western University
No classification provided (evidence only). Condition: Lung cancer. Review status: no classification provided. Collection method: in vitro. Allele origin: not applicable. Functional consequence: retained intron. Not counted in ClinVar's aggregate classification.

Dr. Peter K. Rogan Lab, Western University
No classification provided (evidence only). Condition: Lung cancer. Review status: no classification provided. Collection method: in vitro. Allele origin: not applicable. Functional consequence: retained intron. Not counted in ClinVar's aggregate classification.

Dr. Peter K. Rogan Lab, Western University
No classification provided (evidence only). Condition: Lung cancer. Review status: no classification provided. Collection method: in vitro. Allele origin: not applicable. Functional consequence: retained intron. Not counted in ClinVar's aggregate classification.

Dr. Peter K. Rogan Lab, Western University
No classification provided (evidence only). Condition: Acute myeloid leukemia. Review status: no classification provided. Collection method: in vitro. Allele origin: not applicable. Functional consequence: retained intron. Not counted in ClinVar's aggregate classification.

Dr. Peter K. Rogan Lab, Western University
No classification provided (evidence only). Condition: Acute myeloid leukemia. Review status: no classification provided. Collection method: in vitro. Allele origin: not applicable. Functional consequence: retained intron. Not counted in ClinVar's aggregate classification.

Dr. Peter K. Rogan Lab, Western University
No classification provided (evidence only). Condition: Acute myeloid leukemia. Review status: no classification provided. Collection method: in vitro. Allele origin: not applicable. Functional consequence: retained intron. Not counted in ClinVar's aggregate classification.

Dr. Peter K. Rogan Lab, Western University
No classification provided (evidence only). Condition: Acute myeloid leukemia. Review status: no classification provided. Collection method: in vitro. Allele origin: not applicable. Functional consequence: retained intron. Not counted in ClinVar's aggregate classification.

Dr. Peter K. Rogan Lab, Western University
No classification provided (evidence only). Condition: Cervical cancer. Review status: no classification provided. Collection method: in vitro. Allele origin: not applicable. Functional consequence: retained intron. Not counted in ClinVar's aggregate classification.

Dr. Peter K. Rogan Lab, Western University
No classification provided (evidence only). Condition: Cervical cancer. Review status: no classification provided. Collection method: in vitro. Allele origin: not applicable. Functional consequence: retained intron. Not counted in ClinVar's aggregate classification.

Dr. Peter K. Rogan Lab, Western University
No classification provided (evidence only). Condition: Cervical cancer. Review status: no classification provided. Collection method: in vitro. Allele origin: not applicable. Functional consequence: skipped exon, retained intron. Not counted in ClinVar's aggregate classification.

Dr. Peter K. Rogan Lab, Western University
No classification provided (evidence only). Condition: Cervical cancer. Review status: no classification provided. Collection method: in vitro. Allele origin: not applicable. Functional consequence: retained intron. Not counted in ClinVar's aggregate classification.

Dr. Peter K. Rogan Lab, Western University
No classification provided (evidence only). Condition: Sarcoma. Review status: no classification provided. Collection method: in vitro. Allele origin: not applicable. Functional consequence: retained intron. Not counted in ClinVar's aggregate classification.

Dr. Peter K. Rogan Lab, Western University
No classification provided (evidence only). Condition: Sarcoma. Review status: no classification provided. Collection method: in vitro. Allele origin: not applicable. Functional consequence: retained intron. Not counted in ClinVar's aggregate classification.

Dr. Peter K. Rogan Lab, Western University
No classification provided (evidence only). Condition: Sarcoma. Review status: no classification provided. Collection method: in vitro. Allele origin: not applicable. Functional consequence: retained intron. Not counted in ClinVar's aggregate classification.

Dr. Peter K. Rogan Lab, Western University
No classification provided (evidence only). Condition: Sarcoma. Review status: no classification provided. Collection method: in vitro. Allele origin: not applicable. Functional consequence: retained intron. Not counted in ClinVar's aggregate classification.

Dr. Peter K. Rogan Lab, Western University
No classification provided (evidence only). Condition: Hepatocellular carcinoma. Review status: no classification provided. Collection method: in vitro. Allele origin: not applicable. Functional consequence: retained intron. Not counted in ClinVar's aggregate classification.

Dr. Peter K. Rogan Lab, Western University
No classification provided (evidence only). Condition: Thymoma. Review status: no classification provided. Collection method: in vitro. Allele origin: not applicable. Functional consequence: retained intron. Not counted in ClinVar's aggregate classification.

Dr. Peter K. Rogan Lab, Western University
No classification provided (evidence only). Condition: Thymoma. Review status: no classification provided. Collection method: in vitro. Allele origin: not applicable. Functional consequence: retained intron. Not counted in ClinVar's aggregate classification.

Dr. Peter K. Rogan Lab, Western University
No classification provided (evidence only). Condition: Thymoma. Review status: no classification provided. Collection method: in vitro. Allele origin: not applicable. Functional consequence: retained intron. Not counted in ClinVar's aggregate classification.

Dr. Peter K. Rogan Lab, Western University
No classification provided (evidence only). Condition: Cholangiocarcinoma. Review status: no classification provided. Collection method: in vitro. Allele origin: not applicable. Functional consequence: retained intron. Not counted in ClinVar's aggregate classification.

Dr. Peter K. Rogan Lab, Western University
No classification provided (evidence only). Condition: Ovarian serous cystadenocarcinoma. Review status: no classification provided. Collection method: in vitro. Allele origin: not applicable. Functional consequence: retained intron. Not counted in ClinVar's aggregate classification.

Dr. Peter K. Rogan Lab, Western University
No classification provided (evidence only). Condition: Ovarian serous cystadenocarcinoma. Review status: no classification provided. Collection method: in vitro. Allele origin: not applicable. Functional consequence: retained intron. Not counted in ClinVar's aggregate classification.

Dr. Peter K. Rogan Lab, Western University
No classification provided (evidence only). Condition: Ovarian serous cystadenocarcinoma. Review status: no classification provided. Collection method: in vitro. Allele origin: not applicable. Functional consequence: retained intron. Not counted in ClinVar's aggregate classification.

Dr. Peter K. Rogan Lab, Western University
No classification provided (evidence only). Condition: Ovarian serous cystadenocarcinoma. Review status: no classification provided. Collection method: in vitro. Allele origin: not applicable. Functional consequence: retained intron. Not counted in ClinVar's aggregate classification.

Dr. Peter K. Rogan Lab, Western University
No classification provided (evidence only). Condition: Uveal melanoma. Review status: no classification provided. Collection method: in vitro. Allele origin: not applicable. Functional consequence: retained intron. Not counted in ClinVar's aggregate classification.